The following is an entry in ClinVar:

ClinVar aggregate classification (germline): Conflicting classifications of pathogenicity. Review status: criteria provided, conflicting classifications (1 of 4 stars). 4 submissions from 4 submitters: Uncertain significance (3); Likely benign (1). Last evaluated 2026-01-23.

Conditions:
Inborn genetic diseases. Identifiers: MedGen C0950123, MeSH D030342.
Fibrous dysplasia of jaw (CRBM). Also called: Cherubism. Identifiers: Orphanet 184, MedGen C0008029, MONDO:0007315, OMIM 118400.

Allele frequency attached by ClinVar (database versions not stated): gnomAD 0.00004 and 0.00005; TOPMed 0.00004; ESP Exome Variant Server 0.00008; gnomAD exomes 0.00009; ExAC 0.00027.
gnomAD v4.1: 76 of 1,579,242 alleles (0.0048%); highest among the groups gnomAD compares: East Asian, 0.019%; no homozygotes.

Submissions (4):

Women's Health and Genetics/Laboratory Corporation of America, LabCorp
Classification: Likely benign. Last evaluated: 2026-01-23. Review status: criteria provided, single submitter. Criteria: LabCorp Variant Classification Summary - May 2015. Collection method: clinical testing. Allele origin: germline.

Labcorp Genetics (formerly Invitae), Labcorp
Classification: Uncertain significance for Fibrous dysplasia of jaw. Last evaluated: 2025-12-24. Review status: criteria provided, single submitter. Criteria: Invitae Variant Classification Sherloc (09022015). Collection method: clinical testing. Allele origin: germline.
Comment: This sequence change replaces glycine, which is neutral and non-polar, with serine, which is neutral and polar, at codon 556 of the SH3BP2 protein (p.Gly556Ser). This variant is present in population databases (rs201197278, gnomAD 0.03%). This variant has not been reported in the literature in individuals affected with SH3BP2-related conditions. ClinVar contains an entry for this variant (Variation ID: 525201). Invitae Evidence Modeling of protein sequence and biophysical properties (such as structural, functional, and spatial information, amino acid conservation, physicochemical variation, residue mobility, and thermodynamic stability) indicates that this missense variant is not expected to disrupt SH3BP2 protein function with a negative predictive value of 95%. In summary, the available evidence is currently insufficient to determine the role of this variant in disease. Therefore, it has been classified as a Variant of Uncertain Significance.

Ambry Genetics
Classification: Uncertain significance for Inborn genetic diseases. Last evaluated: 2025-09-01. Review status: criteria provided, single submitter. Criteria: Ambry Variant Classification Scheme 2023. Collection method: clinical testing. Allele origin: germline.

GeneDx
Classification: Uncertain significance. Last evaluated: 2022-12-07. Review status: criteria provided, single submitter. Criteria: GeneDx Variant Classification Process June 2021. Collection method: clinical testing. Allele origin: germline. Affected: yes.
Comment: In silico analysis supports that this missense variant does not alter protein structure/function; Has not been previously published as pathogenic or benign to our knowledge

NM_001122681.2(SH3BP2):c.1666G>A (p.Gly556Ser)

Gene: SH3BP2 (SH3 domain binding protein 2; plus strand). Cytogenetic location: 4p16.3.
Variant type: single nucleotide variant.
Coding change: c.1666G>A on transcript NM_001122681.2 (MANE Select); coding-DNA position 1666, G replaced by A.
Protein change: p.Gly556Ser; replaces glycine 556 with serine.
Molecular consequence: missense variant.
Genome position (GRCh38, 1-based): chr4:2,833,814, G>A. VCF-style: chr4-2833814-G-A. GRCh37 (hg19) VCF-style: chr4-2835541-G-A.
Other names: c.1666G>A, p.Gly556Ser (LRG_1334t1, NM_003023.4); c.1750G>A, p.Gly584Ser (LRG_1334t2, NM_001145855.2); c.1837G>A, p.Gly613Ser (NM_001145856.2); short protein forms G556S, G584S, G613S.
Identifiers: ClinVar variation 525201 (VCV000525201.13), dbSNP rs201197278, ClinGen allele CA2819656.